The following is an entry in ClinVar:

NM_203447.4(DOCK8):c.4886+6C>T

Gene: DOCK8 (dedicator of cytokinesis 8; plus strand). Cytogenetic location: 9p24.3.
Variant type: single nucleotide variant.
Coding change: c.4886+6C>T on transcript NM_203447.4 (MANE Select); 6 bases into the intron after coding-DNA position 4886, C replaced by T.
Molecular consequence: intron variant.
Genome position (GRCh38, 1-based): chr9:433,981, C>T. VCF-style: chr9-433981-C-T. GRCh37 (hg19) VCF-style: chr9-433981-C-T.
Other names: c.4682+6C>T (NM_001193536.2); c.4586+6C>T (NM_001190458.2).
Identifiers: ClinVar variation 653628 (VCV000653628.8), dbSNP rs762986936, ClinGen allele CA4959229.
Genomic context (GRCh38, chr9:433,981, plus strand): 5'-TGAAAATGAGGGAATTTCAGGAAGATCCTGAGATGCTTATGGATCTCATGTACAGGTAAG[C>T]TTTCCTGACACACTCAAGGGACACCATTTGGGGGTCGAGGATTTGTCACTGTGGAGTTCT-3'

ClinVar aggregate classification (germline): Conflicting classifications of pathogenicity. Review status: criteria provided, conflicting classifications (1 of 4 stars). 3 submissions from 3 submitters: Uncertain significance (2); Likely benign (1). Last evaluated 2026-02-17.

Conditions:
Combined immunodeficiency due to DOCK8 deficiency (HIES2). Also called: HIES autosomal recessive; HYPER-IgE RECURRENT INFECTION SYNDROME 2, AUTOSOMAL RECESSIVE; HYPER-IgE SYNDROME 2, AUTOSOMAL RECESSIVE, WITH RECURRENT INFECTIONS; Hyper-IgE recurrent infection syndrome, autosomal recessive; DOCK8 Deficiency. Identifiers: Orphanet 217390, MedGen C4722305, MONDO:0009478, OMIM 243700.

Allele frequency attached by ClinVar (database versions not stated): gnomAD exomes below 0.00001 and 0.00002; TOPMed 0.00001; ExAC 0.00002.

Submissions (3):

Women's Health and Genetics/Laboratory Corporation of America, LabCorp
Classification: Uncertain significance. Last evaluated: 2026-02-17. Review status: criteria provided, single submitter. Criteria: LabCorp Variant Classification Summary - May 2015. Collection method: clinical testing. Allele origin: germline.

Blueprint Genetics
Classification: Likely benign. Last evaluated: 2023-08-02. Review status: criteria provided, single submitter. Criteria: ACMG Guidelines, 2015. Collection method: clinical testing. Allele origin: germline.

Labcorp Genetics (formerly Invitae), Labcorp
Classification: Uncertain significance for Combined immunodeficiency due to DOCK8 deficiency. Last evaluated: 2022-10-26. Review status: criteria provided, single submitter. Criteria: Invitae Variant Classification Sherloc (09022015). Collection method: clinical testing. Allele origin: germline.
Comment: This sequence change falls in intron 38 of the DOCK8 gene. It does not directly change the encoded amino acid sequence of the DOCK8 protein. It affects a nucleotide within the consensus splice site. This variant is present in population databases (rs762986936, gnomAD 0.02%). This variant has not been reported in the literature in individuals affected with DOCK8-related conditions. ClinVar contains an entry for this variant (Variation ID: 653628). Variants that disrupt the consensus splice site are a relatively common cause of aberrant splicing (PMID: 17576681, 9536098). Algorithms developed to predict the effect of sequence changes on RNA splicing suggest that this variant is not likely to affect RNA splicing. In summary, the available evidence is currently insufficient to determine the role of this variant in disease. Therefore, it has been classified as a Variant of Uncertain Significance.

Literature cited by the submitters: PubMed 17576681 (cited by Labcorp Genetics (formerly Invitae), Labcorp); PubMed 9536098 (cited by Labcorp Genetics (formerly Invitae), Labcorp).